The following is an entry in ClinVar:

NM_001374353.1(GLI2):c.3125_3126insTA (p.Leu1043fs)

Gene: GLI2 (GLI family zinc finger 2; plus strand). Cytogenetic location: 2q14.2.
Variant type: Insertion.
Coding change: c.3125_3126insTA on transcript NM_001374353.1 (MANE Select); coding-DNA positions 3125 to 3126, TA inserted.
Protein change: p.Leu1043fs; shifts the reading frame from leucine 1043.
Molecular consequence: frameshift variant.
Genome position: GRCh38 VCF-style: chr2-120989089-G-GAT. GRCh37 (hg19) VCF-style: chr2-121746665-G-GAT.
Other names: c.3176_3177insTA, p.Leu1060fs (NM_001371271.1, NM_005270.5); c.2750_2751insTA, p.Leu918fs (NM_001374354.1); short protein forms L1043fs, L1060fs, L918fs.
Identifiers: ClinVar variation 2431651 (VCV002431651.1), dbSNP rs2467775195, ClinGen allele CA2580063762.

ClinVar aggregate classification (germline): Likely pathogenic (1 of 4 stars; one submission).

Conditions:
Holoprosencephaly 9 (HPE9). Also called: PITUITARY ANOMALIES WITH HOLOPROSENCEPHALY-LIKE FEATURES; HOLOPROSENCEPHALY WITH MICROPHTHALMIA AND FIRST BRANCHIAL ARCH ANOMALIES. Identifiers: Orphanet 2162, MedGen C1835819, MONDO:0012563, OMIM 610829.

Submission:

Laboratorio de Genetica e Diagnostico Molecular, Hospital Israelita Albert Einstein
Classification: Likely pathogenic for Holoprosencephaly 9. Last evaluated: 2022-08-10. Review status: criteria provided, single submitter. Criteria: ACMG Guidelines, 2015. Collection method: clinical testing. Allele origin: germline. Affected: yes. Observed: 1 variant allele.
Comment: ACMG classification criteria: PVS1 strong, PM2 moderated